The following is an entry in ClinVar:

ClinVar aggregate classification (germline): Likely pathogenic (1 of 4 stars; one submission).

Submission:

Labcorp Genetics (formerly Invitae), Labcorp
Classification: Likely pathogenic. Last evaluated: 2025-01-27. Review status: criteria provided, single submitter. Criteria: Invitae Variant Classification Sherloc (09022015). Collection method: clinical testing. Allele origin: germline.
Comment: This sequence change affects an acceptor splice site in intron 16 of the UNC80 gene. It is expected to disrupt RNA splicing. Variants that disrupt the donor or acceptor splice site typically lead to a loss of protein function (PMID: 16199547), and loss-of-function variants in UNC80 are known to be pathogenic (PMID: 26545877, 26708751, 26708753). This variant is not present in population databases (gnomAD no frequency). This variant has not been reported in the literature in individuals affected with UNC80-related conditions. Algorithms developed to predict the effect of sequence changes on RNA splicing suggest that this variant may disrupt the consensus splice site. In summary, the currently available evidence indicates that the variant is pathogenic, but additional data are needed to prove that conclusively. Therefore, this variant has been classified as Likely Pathogenic.

Literature cited by the submitters: PubMed 16199547; PubMed 26545877; PubMed 26708751; PubMed 26708753.

NM_001371986.1(UNC80):c.2776-2A>C

Gene: UNC80 (unc-80 subunit of NALCN channel complex; plus strand). Cytogenetic location: 2q34.
Variant type: single nucleotide variant.
Coding change: c.2776-2A>C on transcript NM_001371986.1 (MANE Select); the canonical splice acceptor site of the intron before coding-DNA position 2776, A replaced by C.
Molecular consequence: splice acceptor variant.
Genome position (GRCh38, 1-based): chr2:209,834,000, A>C. VCF-style: chr2-209834000-A-C. GRCh37 (hg19) VCF-style: chr2-210698724-A-C.
Other names: c.2776-2A>C (NM_032504.2); c.2761-2A>C (NM_182587.4).
Identifiers: ClinVar variation 4711915 (VCV004711915.1).